The following is an entry in ClinVar:

NM_024685.4(BBS10):c.1145T>G (p.Val382Gly)

Gene: BBS10 (Bardet-Biedl syndrome 10; minus strand). Cytogenetic location: 12q21.2.
Variant type: single nucleotide variant.
Coding change: c.1145T>G on transcript NM_024685.4 (MANE Select); coding-DNA position 1145, T replaced by G.
Protein change: p.Val382Gly; replaces valine 382 with glycine.
Molecular consequence: missense variant.
Genome position (GRCh38, 1-based): chr12:76,346,840, A>C on the plus strand (T>G on the coding strand, the complement: BBS10 is on the minus strand). VCF-style: chr12-76346840-A-C. GRCh37 (hg19) VCF-style: chr12-76740620-A-C.
Other names: short protein forms V382G.
Identifiers: ClinVar variation 1381772 (VCV001381772.3), dbSNP rs2136090562, ClinGen allele CA385812591.

ClinVar aggregate classification (germline): Uncertain significance (1 of 4 stars; one submission).

Conditions:
Bardet-Biedl syndrome (BBS). Identifiers: Orphanet 110, MedGen C0752166, MONDO:0015229.

Submission:

Labcorp Genetics (formerly Invitae), Labcorp
Classification: Uncertain significance for Bardet-Biedl syndrome. Last evaluated: 2022-10-18. Review status: criteria provided, single submitter. Criteria: Invitae Variant Classification Sherloc (09022015). Collection method: clinical testing. Allele origin: germline.
Comment: This sequence change replaces valine, which is neutral and non-polar, with glycine, which is neutral and non-polar, at codon 382 of the BBS10 protein (p.Val382Gly). This variant is not present in population databases (gnomAD no frequency). This variant has not been reported in the literature in individuals affected with BBS10-related conditions. ClinVar contains an entry for this variant (Variation ID: 1381772). Advanced modeling of protein sequence and biophysical properties (such as structural, functional, and spatial information, amino acid conservation, physicochemical variation, residue mobility, and thermodynamic stability) performed at Invitae indicates that this missense variant is expected to disrupt BBS10 protein function. In summary, the available evidence is currently insufficient to determine the role of this variant in disease. Therefore, it has been classified as a Variant of Uncertain Significance.